The following is an entry in ClinVar:

NM_001329943.3(KIAA0586):c.1000C>T (p.Gln334Ter)

Gene: KIAA0586 (KIAA0586; plus strand). Cytogenetic location: 14q23.1.
Variant type: single nucleotide variant.
Coding change: c.1000C>T on transcript NM_001329943.3 (MANE Select); coding-DNA position 1000, C replaced by T.
Protein change: p.Gln334Ter; replaces glutamine 334 with a stop codon.
Molecular consequence: nonsense.
Genome position (GRCh38, 1-based): chr14:58,450,617, C>T. VCF-style: chr14-58450617-C-T. GRCh37 (hg19) VCF-style: chr14-58917335-C-T.
Other names: c.1159C>T, p.Gln387Ter (NM_001244189.2); c.955C>T, p.Gln319Ter (NM_001244190.2); c.745C>T, p.Gln249Ter (NM_001244191.2, NM_001329945.2, NM_001364700.1 and 1 more transcripts); c.868C>T, p.Gln290Ter (NM_001244192.2); c.580C>T, p.Gln194Ter (NM_001244193.2); c.1000C>T, p.Gln334Ter (NM_001329944.2, NM_001329946.2, NM_001329947.2 and 1 more transcripts); short protein forms Q387*, Q194*, Q249*, Q290*, Q319*, Q334*.
Identifiers: ClinVar variation 204595 (VCV000204595.5), dbSNP rs796052128, ClinGen allele CA204048.

ClinVar aggregate classification (germline): Pathogenic/Likely pathogenic. Review status: criteria provided, multiple submitters, no conflicts (2 of 4 stars). 5 submissions from 5 submitters: Pathogenic (3); Likely pathogenic (1). 1 of the submissions does not count toward it. Last evaluated 2024-09-16.

Conditions:
KIAA0586-related disorder. Also called: KIAA0586-related condition; KIAA0586- Related disorders.
Joubert syndrome 23 (JBTS23). Identifiers: Orphanet 475, MedGen C4084822, MONDO:0014664, OMIM 616490.

Allele frequency attached by ClinVar (database versions not stated): gnomAD exomes below 0.00001.

Submissions (5):

Blueprint Genetics
Classification: Likely pathogenic for KIAA0586-related disorders. Last evaluated: 2024-09-16. Review status: criteria provided, single submitter. Criteria: ACMG Guidelines, 2015. Collection method: clinical testing. Allele origin: germline. Affected: yes. Observed: 5 variant alleles.

PreventionGenetics, part of Exact Sciences
Classification: Pathogenic for KIAA0586-related condition. Last evaluated: 2022-10-27. Review status: criteria provided, single submitter. Criteria: ACMG Guidelines, 2015. Collection method: clinical testing. Allele origin: germline.
Comment: The KIAA0586 c.1159C>T variant is predicted to result in premature protein termination (p.Gln387*). This variant along with second allele in KIAA0586 was reported in two individuals with Joubert syndrome (Table 1, Bachmann-Gagescu et al 2015. PubMed ID: 26096313; reported as p.Gln334* in Table S2, Summers et al 2017. PubMed ID: 28497568). This variant is reported in 0.00089% of alleles in individuals of European (Non-Finnish) descent in gnomAD. In ClinVar, this variant is reported as pathogenic. Nonsense variants in KIAA0586 are expected to be pathogenic. This variant is interpreted as pathogenic.

GeneDx
Classification: Pathogenic. Last evaluated: 2022-01-26. Review status: criteria provided, single submitter. Criteria: GeneDx Variant Classification Process June 2021. Collection method: clinical testing. Allele origin: germline. Affected: yes.
Comment: Nonsense variant predicted to result in protein truncation or nonsense mediated decay in a gene for which loss-of-function is a known mechanism of disease; Not observed at significant frequency in large population cohorts (gnomAD); This variant is associated with the following publications: (PMID: 26386044, 28497568, 26096313)

UW Hindbrain Malformation Research Program, University of Washington
Classification: Pathogenic for Joubert syndrome 23. Last evaluated: 2015-09-01. Review status: criteria provided, single submitter. Criteria: Submitter's publication. Collection method: research. Allele origin: unknown. Affected: yes.

OMIM
Classification: Pathogenic for JOUBERT SYNDROME 23. Last evaluated: 2015-06-11. Review status: no assertion criteria provided. Collection method: literature only. Allele origin: germline. Not counted in ClinVar's aggregate classification.

Literature cited by the submitters: PubMed 26096313 (cited by OMIM).